The following is an entry in ClinVar:

ClinVar aggregate classification (germline): Pathogenic/Likely pathogenic. Review status: criteria provided, multiple submitters, no conflicts (2 of 4 stars). 4 submissions from 4 submitters: Pathogenic (1); Likely pathogenic (3). Last evaluated 2026-01-25.

Conditions:
Gaucher disease. Also called: Acute cerebral Gaucher disease; Cerebroside lipidosis syndrome; Gaucher splenomegaly; Sphingolipidosis 1; Glucocerebrosidosis; Glucosylceramidase deficiency. Identifiers: Orphanet 355, MedGen C0017205, MONDO:0018150.

Allele frequency attached by ClinVar (database versions not stated): ExAC 0.00001; gnomAD 0.00001; gnomAD exomes 0.00001.
gnomAD v4.1: 10 of 1,614,068 alleles (0.00062%); highest among the groups gnomAD compares: Admixed American, 0.012%; no homozygotes.

Submissions (4):

Labcorp Genetics (formerly Invitae), Labcorp
Classification: Likely pathogenic. Last evaluated: 2026-01-25. Review status: criteria provided, single submitter. Criteria: Invitae Variant Classification Sherloc (09022015). Collection method: clinical testing. Allele origin: germline.
Comment: This sequence change replaces lysine, which is basic and polar, with glutamic acid, which is acidic and polar, at codon 237 of the GBA protein (p.Lys237Glu). The frequency data for this variant in the population databases (gnomAD) is considered unreliable due to the presence of homologous sequence, such as pseudogenes or paralogs, in the genome. This missense change has been observed in individual(s) with Gaucher disease and/or Parkinson disease (PMID: 11933202, 16185907, 32197197). This variant is also known as K198E. ClinVar contains an entry for this variant (Variation ID: 633239). Invitae Evidence Modeling of protein sequence and biophysical properties (such as structural, functional, and spatial information, amino acid conservation, physicochemical variation, residue mobility, and thermodynamic stability) indicates that this missense variant is not expected to disrupt GBA protein function with a negative predictive value of 80%. Experimental studies have shown that this missense change affects GBA function (PMID: 16293621). In summary, the currently available evidence indicates that the variant is pathogenic, but additional data are needed to prove that conclusively. Therefore, this variant has been classified as Likely Pathogenic.

Natera, Inc.
Classification: Likely pathogenic for Gaucher disease. Last evaluated: 2025-09-22. Review status: criteria provided, single submitter. Criteria: Natera Variant Classification Schema (03/2026). Collection method: clinical testing. Allele origin: germline.
Comment: The c.709A>G variant in GBA1 is a missense variant predicted to cause substitution of lysine to glutamic acid at amino acid 237. This variant is rare in the general population with a frequency below the threshold expected for the associated phenotype(s). This variant has been observed in one or more individuals affected with the associated recessive disease, as either homozygous or compound heterozygous with a second variant (PMID: 11933202). Computational prediction algorithms indicate this variant is likely to affect gene or protein function. Given the available evidence, this variant is classified as Likely Pathogenic.

Revvity Omics, Revvity
Classification: Likely pathogenic. Last evaluated: 2022-09-08. Review status: criteria provided, single submitter. Criteria: ACMG Guidelines, 2015. Collection method: clinical testing. Allele origin: germline.

Women's Health and Genetics/Laboratory Corporation of America, LabCorp
Classification: Pathogenic for Gaucher disease. Last evaluated: 2018-04-19. Review status: criteria provided, single submitter. Criteria: LabCorp Variant Classification Summary - May 2015. Collection method: clinical testing. Allele origin: germline.
Comment: Variant summary: GBA c.709A>G (p.Lys237Glu) results in a conservative amino acid change located in the Glycosyl hydrolase family 30, TIM-barrel domain (IPR033453) of the encoded protein sequence. Three of five in-silico tools predict a damaging effect of the variant on protein function. The variant allele was found at a frequency of 8.1e-06 in 246260 control chromosomes. This frequency is not higher than expected for a pathogenic variant in GBA causing Gaucher Disease (8.1e-06 vs 0.005), allowing no conclusion about variant significance. c.709A>G has been reported in the literature in individuals affected with Gaucher Disease, in one patient it was found in homozygosity and resulted in a type 2 disease (i.e. the neuropathic form) (Orvisky 2002), whereas in three patients it was found in trans with the variant c.1226A>G (p.N409S) resulting in type 1 form, without any neurological abnormality (Pomponio 2005). These data indicate that the variant is likely to be associated with disease. At least one publication reports experimental evidence evaluating an impact on protein function. The most pronounced variant effect results in <10% of normal activity (Liou 2006). No clinical diagnostic laboratories have submitted clinical-significance assessments for this variant to ClinVar after 2014. Based on the evidence outlined above, the variant was classified as pathogenic.

Literature cited by the submitters: PubMed 11933202 (cited by 3 submitters); PubMed 16185907 (cited by Labcorp Genetics (formerly Invitae), Labcorp and Women's Health and Genetics/Laboratory Corporation of America, LabCorp); PubMed 32197197 (cited by Labcorp Genetics (formerly Invitae), Labcorp); PubMed 16293621 (cited by Labcorp Genetics (formerly Invitae), Labcorp and Women's Health and Genetics/Laboratory Corporation of America, LabCorp).

NM_000157.4(GBA1):c.709A>G (p.Lys237Glu)

Genes: GBA1 (glucosylceramidase beta 1; minus strand), LOC106627981 (GBA recombination region; plus strand). Cytogenetic location: 1q22.
Variant type: single nucleotide variant.
Coding change: c.709A>G on transcript NM_000157.4 (MANE Select); coding-DNA position 709, A replaced by G.
Protein change: p.Lys237Glu; replaces lysine 237 with glutamic acid.
Molecular consequence: missense variant.
Genome position (GRCh38, 1-based): chr1:155,238,186, T>C on the plus strand (A>G on the coding strand, the complement: GBA1 is on the minus strand). VCF-style: chr1-155238186-T-C. GRCh37 (hg19) VCF-style: chr1-155207977-T-C.
Other names: c.709A>G, p.Lys237Glu (NM_001005741.3, NM_001005742.3); c.448A>G, p.Lys150Glu (NM_001171811.2); c.562A>G, p.Lys188Glu (NM_001171812.2); c.709A>G (NM_000157.3); short protein forms K237E, K188E, K150E.
Identifiers: ClinVar variation 633239 (VCV000633239.7), dbSNP rs773409311, ClinGen allele CA1141699.